The following is an entry in ClinVar:

ClinVar aggregate classification (germline): Uncertain significance. Review status: criteria provided, multiple submitters, no conflicts (2 of 4 stars). 2 submissions from 2 submitters: Uncertain significance (2). Last evaluated 2026-05-27.

Conditions:
SYNE2-related disorder. Also called: SYNE2-related condition.

gnomAD v4.1: 48 of 1,609,558 alleles (0.003%); highest among the groups gnomAD compares: Non-Finnish European, 0.0038%; no homozygotes.

Submissions (2):

PreventionGenetics, part of Exact Sciences
Classification: Uncertain significance for SYNE2-related condition. Last evaluated: 2026-05-27. Review status: criteria provided, single submitter. Criteria: ACMG Guidelines, 2015. Collection method: clinical testing. Allele origin: germline.
Comment: The SYNE2 c.13990A>G variant is predicted to result in the amino acid substitution p.Ser4664Gly. To our knowledge, this variant has not been reported in the literature. This variant is reported in 0.0047% of alleles in individuals of European (non-Finnish) descent in gnomAD. At this time, the clinical significance of this variant is uncertain due to the absence of conclusive functional and genetic evidence.

Ambry Genetics
Classification: Uncertain significance. Last evaluated: 2024-06-18. Review status: criteria provided, single submitter. Criteria: Ambry Variant Classification Scheme 2023. Collection method: clinical testing. Allele origin: germline.

NM_182914.3(SYNE2):c.13990A>G (p.Ser4664Gly)

Gene: SYNE2 (spectrin repeat containing nuclear envelope protein 2; plus strand). Cytogenetic location: 14q23.2.
Variant type: single nucleotide variant.
Coding change: c.13990A>G on transcript NM_182914.3 (MANE Select); coding-DNA position 13990, A replaced by G.
Protein change: p.Ser4664Gly; replaces serine 4664 with glycine.
Molecular consequence: missense variant.
Genome position (GRCh38, 1-based): chr14:64,128,524, A>G. VCF-style: chr14-64128524-A-G. GRCh37 (hg19) VCF-style: chr14-64595242-A-G.
Other names: c.13990A>G, p.Ser4664Gly (NM_015180.6); short protein forms S4664G.
Identifiers: ClinVar variation 3323903 (VCV003323903.2).